The following is an entry in ClinVar:

ClinVar aggregate classification (germline): Likely benign. Review status: criteria provided, multiple submitters, no conflicts (2 of 4 stars). 4 submissions from 4 submitters: Likely benign (3). 1 of the submissions does not count toward it. Last evaluated 2025-10-26.

Conditions:
Microcephalic osteodysplastic primordial dwarfism type II (MOPD2). Also called: MOPD II; OSTEODYSPLASTIC PRIMORDIAL DWARFISM, TYPE II; Microcephalic osteodysplastic primordial dwarfism with tooth abnormalities. Identifiers: Orphanet 2637, MedGen C0432246, MONDO:0008872, OMIM 210720.
PCNT-related disorder. Also called: PCNT-related condition.

Allele frequency attached by ClinVar (database versions not stated): ESP Exome Variant Server 0.00015; 1000 Genomes Project 30x 0.00016; 1000 Genomes Project 0.00020; TOPMed 0.00026; gnomAD 0.00029 and 0.00031.
gnomAD v4.1: 94 of 1,614,154 alleles (0.0058%); highest among the groups gnomAD compares: African/African-American, 0.084%; 1 homozygote.

Submissions (4):

Labcorp Genetics (formerly Invitae), Labcorp
Classification: Likely benign. Last evaluated: 2025-10-26. Review status: criteria provided, single submitter. Criteria: Invitae Variant Classification Sherloc (09022015). Collection method: clinical testing. Allele origin: germline.

Fulgent Genetics
Classification: Likely benign for Microcephalic osteodysplastic primordial dwarfism type II. Last evaluated: 2021-08-20. Review status: criteria provided, single submitter. Criteria: ACMG Guidelines, 2015. Collection method: clinical testing. Allele origin: unknown.

Genetic Services Laboratory, University of Chicago
Classification: Likely benign. Last evaluated: 2019-06-14. Review status: criteria provided, single submitter. Criteria: ACMG Guidelines, 2015. Collection method: clinical testing. Allele origin: germline. Affected: no.

PreventionGenetics, part of Exact Sciences
Classification: Likely benign for PCNT-related condition. Last evaluated: 2021-06-15. Review status: no assertion criteria provided. Collection method: clinical testing. Allele origin: germline. Not counted in ClinVar's aggregate classification.
Comment: This variant is classified as likely benign based on ACMG/AMP sequence variant interpretation guidelines (Richards et al. 2015 PMID: 25741868, with internal and published modifications).

NM_006031.6(PCNT):c.8835C>T (p.Asp2945=)

Gene: PCNT (pericentrin; plus strand). Cytogenetic location: 21q22.3.
Variant type: single nucleotide variant.
Coding change: c.8835C>T on transcript NM_006031.6 (MANE Select); coding-DNA position 8835, C replaced by T.
Protein change: p.Asp2945=; no amino-acid change (aspartic acid 2945 retained).
Molecular consequence: synonymous variant.
Genome position (GRCh38, 1-based): chr21:46,435,987, C>T. VCF-style: chr21-46435987-C-T. GRCh37 (hg19) VCF-style: chr21-47855900-C-T.
Other names: c.8244C>T, p.Asp2748= (NM_001315529.2).
Identifiers: ClinVar variation 1337232 (VCV001337232.10), dbSNP rs146875945, ClinGen allele CA10081097.
Genomic context (GRCh38, chr21:46,435,987, plus strand): 5'-GCGTGACTTGCATAAGATCAAGCAGCTTCAGCAGACAGTGAGAGACCTGGAGTCGAAGGA[C>T]GAGGTGCCTGGCAGCCGCCTCCACCTAGGTTCTGCCCGCAGGGCTGCCGGCTCGGATGCG-3'
Protein context (NP_006022.3, residues 2935-2955): QQTVRDLESK[Asp2945=]EVPGSRLHLG